The following is an entry in ClinVar:

NM_001735.3(C5):c.1358G>A (p.Arg453Gln)

Gene: C5 (complement C5; minus strand). Cytogenetic location: 9q33.2.
Variant type: single nucleotide variant.
Coding change: c.1358G>A on transcript NM_001735.3 (MANE Select); coding-DNA position 1358, G replaced by A.
Protein change: p.Arg453Gln; replaces arginine 453 with glutamine.
Molecular consequence: missense variant.
Genome position (GRCh38, 1-based): chr9:121,020,124, C>T on the plus strand (G>A on the coding strand, the complement: C5 is on the minus strand). VCF-style: chr9-121020124-C-T. GRCh37 (hg19) VCF-style: chr9-123782402-C-T.
Other names: c.1376G>A, p.Arg459Gln (NM_001317163.2); c.1358G>A, p.Arg453Gln (NM_001317164.2); short protein forms R453Q, R459Q.
Identifiers: ClinVar variation 1524899 (VCV001524899.4), dbSNP rs768081493, ClinGen allele CA5218088.

ClinVar aggregate classification (germline): Uncertain significance. Review status: criteria provided, multiple submitters, no conflicts (2 of 4 stars). 2 submissions from 2 submitters: Uncertain significance (2). Last evaluated 2021-09-19.

Conditions:
Complement component 5 deficiency. Also called: C5 DEFICIENCY. Identifiers: MedGen C0343047, MONDO:0012295, OMIM 609536.
Eculizumab, poor response to. Identifiers: MedGen C3810402, OMIM 615749.

Allele frequency attached by ClinVar (database versions not stated): ExAC 0.00001; gnomAD 0.00001; gnomAD exomes 0.00002; TOPMed 0.00002.
gnomAD v4.1: 17 of 1,613,830 alleles (0.0011%); highest among the groups gnomAD compares: African/African-American, 0.0027%; no homozygotes.

Submissions (2):

Labcorp Genetics (formerly Invitae), Labcorp
Classification: Uncertain significance. Last evaluated: 2021-09-19. Review status: criteria provided, single submitter. Criteria: Invitae Variant Classification Sherloc (09022015). Collection method: clinical testing. Allele origin: germline.
Comment: This sequence change replaces arginine with glutamine at codon 453 of the C5 protein (p.Arg453Gln). The arginine residue is weakly conserved and there is a small physicochemical difference between arginine and glutamine. This variant is present in population databases (rs768081493, ExAC 0.001%). This variant has not been reported in the literature in individuals affected with C5-related conditions. Algorithms developed to predict the effect of missense changes on protein structure and function output the following: SIFT: "Tolerated"; PolyPhen-2: "Benign"; Align-GVGD: "Class C0". The glutamine amino acid residue is found in multiple mammalian species, which suggests that this missense change does not adversely affect protein function. In summary, the available evidence is currently insufficient to determine the role of this variant in disease. Therefore, it has been classified as a Variant of Uncertain Significance.

Fulgent Genetics
Classification: Uncertain significance for Complement component 5 deficiency; Eculizumab, poor response to. Last evaluated: 2021-07-07. Review status: criteria provided, single submitter. Criteria: ACMG Guidelines, 2015. Collection method: clinical testing. Allele origin: unknown.